The following is an entry in ClinVar:

NM_000113.3(TOR1A):c.124C>A (p.Leu42Ile)

Gene: TOR1A (torsin family 1 member A; minus strand). Cytogenetic location: 9q34.11.
Variant type: single nucleotide variant.
Coding change: c.124C>A on transcript NM_000113.3 (MANE Select); coding-DNA position 124, C replaced by A.
Protein change: p.Leu42Ile; replaces leucine 42 with isoleucine.
Molecular consequence: missense variant.
Genome position (GRCh38, 1-based): chr9:129,823,962, G>T on the plus strand (C>A on the coding strand, the complement: TOR1A is on the minus strand). VCF-style: chr9-129823962-G-T. GRCh37 (hg19) VCF-style: chr9-132586241-G-T.
Other names: short protein forms L42I.
Identifiers: ClinVar variation 2157604 (VCV002157604.4), dbSNP rs777643677, ClinGen allele CA375178365.
Genomic context (GRCh38, chr9:129,823,962, plus strand): 5'-GCCTACCCTCCCGGCTAAGGCTCCGCTTCTGCCCGCAGCACTCGGCGAAGAGGCAGTAGA[G>T]ACGCGGGTAGATGTAGCCGGTGAGGACGCCGGCCAGGGCCAGTCCCAGGCTGATGGGCTC-3'
Protein context (NP_000104.1, residues 32-52): GVLTGYIYPR[Leu42Ile]YCLFAECCGQ

ClinVar aggregate classification (germline): Uncertain significance (1 of 4 stars; one submission).

Conditions:
Dystonic disorder. Also called: Dystonia. Identifiers: MedGen C0013421, MONDO:0003441, HP:0001332.

Submission:

Labcorp Genetics (formerly Invitae), Labcorp
Classification: Uncertain significance for Dystonic disorder. Last evaluated: 2022-07-01. Review status: criteria provided, single submitter. Criteria: Invitae Variant Classification Sherloc (09022015). Collection method: clinical testing. Allele origin: germline.
Comment: In summary, the available evidence is currently insufficient to determine the role of this variant in disease. Therefore, it has been classified as a Variant of Uncertain Significance. Algorithms developed to predict the effect of missense changes on protein structure and function (SIFT, PolyPhen-2, Align-GVGD) all suggest that this variant is likely to be tolerated. This variant has not been reported in the literature in individuals affected with TOR1A-related conditions. This variant is not present in population databases (gnomAD no frequency). This sequence change replaces leucine, which is neutral and non-polar, with isoleucine, which is neutral and non-polar, at codon 42 of the TOR1A protein (p.Leu42Ile).